The following is an entry in ClinVar:

ClinVar aggregate classification (germline): Uncertain significance (1 of 4 stars; one submission).

Conditions:
Bethlem myopathy 1A. Also called: MYOPATHY, BENIGN CONGENITAL, WITH CONTRACTURES; Bethlem myopathy 1; Bethlem Muscular Dystrophy. Identifiers: Orphanet 610, MedGen CN029274, MONDO:0024530, OMIM 158810.

Submission:

Labcorp Genetics (formerly Invitae), Labcorp
Classification: Uncertain significance for Bethlem myopathy 1A. Last evaluated: 2024-05-19. Review status: criteria provided, single submitter. Criteria: Invitae Variant Classification Sherloc (09022015). Collection method: clinical testing. Allele origin: germline.
Comment: This sequence change replaces serine, which is neutral and polar, with phenylalanine, which is neutral and non-polar, at codon 605 of the COL6A1 protein (p.Ser605Phe). This variant is not present in population databases (gnomAD no frequency). This variant has not been reported in the literature in individuals affected with COL6A1-related conditions. An algorithm developed to predict the effect of missense changes on protein structure and function (PolyPhen-2) suggests that this variant is likely to be disruptive. In summary, the available evidence is currently insufficient to determine the role of this variant in disease. Therefore, it has been classified as a Variant of Uncertain Significance.

NM_001848.3(COL6A1):c.1814C>T (p.Ser605Phe)

Gene: COL6A1 (collagen type VI alpha 1 chain; plus strand). Cytogenetic location: 21q22.3.
Variant type: single nucleotide variant.
Coding change: c.1814C>T on transcript NM_001848.3 (MANE Select); coding-DNA position 1814, C replaced by T.
Protein change: p.Ser605Phe; replaces serine 605 with phenylalanine.
Molecular consequence: missense variant.
Genome position (GRCh38, 1-based): chr21:46,000,759, C>T. VCF-style: chr21-46000759-C-T. GRCh37 (hg19) VCF-style: chr21-47420673-C-T.
Other names: short protein forms S605F.
Identifiers: ClinVar variation 3680146 (VCV003680146.2).
Genomic context (GRCh38, chr21:46,000,759, plus strand): 5'-TTCTGACGTGCGCAGGACGCGGCCCTGACTGGTCTAACTGACTCTTTCTCTTCTCCTCAG[C>T]TTGCTGTGGTGAGACCCAGGCTCTAGCTCCTGAGAGAATGGATCCCGGGGGTCGGGGAGC-3'
Protein context (NP_001839.2, residues 595-615): EILDIIMKMC[Ser605Phe]CCECKCGPID